The following is an entry in ClinVar:

NM_001018116.2(CAVIN4):c.409-1delinsCCGAAA

Gene: CAVIN4 (caveolae associated protein 4; plus strand). Cytogenetic location: 9q31.1.
Variant type: Indel.
Coding change: c.409-1delinsCCGAAA on transcript NM_001018116.2 (MANE Select); the canonical splice acceptor site of the intron before coding-DNA position 409, G replaced by CCGAAA.
Molecular consequence: splice acceptor variant.
Genome position (GRCh38, 1-based): chr9:100,585,764, G replaced by CCGAAA. VCF-style: chr9-100585764-G-CCGAAA. GRCh37 (hg19) VCF-style: chr9-103348046-G-CCGAAA.
Identifiers: ClinVar variation 2430618 (VCV002430618.1), dbSNP rs2537999875, ClinGen allele CA2580079275.

ClinVar aggregate classification (germline): Uncertain significance (1 of 4 stars; one submission).

Submission:

GeneDx
Classification: Uncertain significance. Last evaluated: 2023-02-15. Review status: criteria provided, single submitter. Criteria: GeneDx Variant Classification Process June 2021. Collection method: clinical testing. Allele origin: germline. Affected: yes.
Comment: Has not been previously published as pathogenic or benign to our knowledge; Not observed at significant frequency in large population cohorts (gnomAD); Canonical splice site variant in a gene for which loss-of-function is not a known mechanism of disease